The following is an entry in ClinVar:

ClinVar aggregate classification (germline): Uncertain significance. Review status: criteria provided, single submitter (1 of 4 stars). 2 submissions from 2 submitters: Uncertain significance (1). 1 of the submissions does not count toward it. Last evaluated 2021-11-16.

Conditions:
Polycystic kidney disease. Also called: Polycystic kidney dysplasia; Kidney, Polycystic. Identifiers: MedGen C0022680, MeSH D007690, MONDO:0020642, HP:0000113.
Polycystic kidney disease 2 (PKD2). Also called: Polycystic Kidney Disease 2, Autosomal Dominant; POLYCYSTIC KIDNEY DISEASE, ADULT, TYPE II; POLYCYSTIC KIDNEY DISEASE 2 WITH OR WITHOUT POLYCYSTIC LIVER DISEASE. Identifiers: MedGen C2751306, MONDO:0013131, OMIM 613095.

Submissions (2):

Fulgent Genetics
Classification: Uncertain significance for Polycystic kidney disease 2. Last evaluated: 2021-11-16. Review status: criteria provided, single submitter. Criteria: ACMG Guidelines, 2015. Collection method: clinical testing. Allele origin: unknown.

Department of Pathology and Laboratory Medicine, Sinai Health System
Classification: Uncertain significance for Polycystic Kidney disease. Review status: no assertion criteria provided. Collection method: clinical testing. Allele origin: unknown. Affected: yes. Study: The Canadian Open Genetics Repository (COGR). Not counted in ClinVar's aggregate classification.
Comment: The PKD2 p.Phe605del variant was identified in 1 of 164 proband chromosomes (frequency: 0.006) from individuals or families with ADPKD and was not identified in 342 control chromosomes from healthy individuals (Garcia-Gonzalez_2007_17574468). The variant was also identified in LOVD 3.0 (1x reported as "affects function") and ADPKD Mutation Database (reported as likely pathogenic). The variant was not identified in dbSNP, ClinVar and PKD1-LOVD, databases. The variant was not identified in the following control databases: the 1000 Genomes Project, the NHLBI GO Exome Sequencing Project, the Exome Aggregation Consortium (August 8th 2016), or the Genome Aggregation Database (Feb 27, 2017). This variant is an in-frame deletion resulting in the removal of a phenylalanine (Phe) residue at codon 605; the impact of this alteration on PKD2 protein function is not known. The variant occurs outside of the splicing consensus sequence and in silico or computational prediction software programs (SpliceSiteFinder, MaxEntScan, NNSPLICE, GeneSplicer, HumanSpliceFinder) do not predict a difference in splicing. In summary, based on the above information the clinical significance of this variant cannot be determined with certainty at this time. This variant is classified as a variant of uncertain significance.

NM_000297.4(PKD2):c.1810TTC[1] (p.Phe605del)

Gene: PKD2 (polycystin 2, transient receptor potential cation channel; plus strand). Cytogenetic location: 4q22.1.
Variant type: Microsatellite.
Coding change: c.1810TTC[1] on transcript NM_000297.4 (MANE Select); one copy of the 3-base unit TTC starting at c.1810; the reference has two copies in a row; one copy, 3 bases deleted; also written c.1813_1815del.
Protein change: p.Phe605del; deletes phenylalanine 605.
Molecular consequence: inframe deletion. On other transcripts: non-coding transcript variant (1).
Genome position (GRCh38, 1-based): chr4:88,056,182-88,056,184, TTC deleted; deleting any 3 consecutive bases within chr4:88,056,179-88,056,184 gives the same sequence; the position shown is the placement nearest the transcript's 3' end. VCF-style (leftmost placement, unchanged base first): chr4-88056178-GTTC-G. GRCh37 (hg19) VCF-style: chr4-88977330-GTTC-G.
Other names: c.1813_1815del (NM_000297.4); short protein forms F605del.
Identifiers: ClinVar variation 997109 (VCV000997109.2), dbSNP rs1720323681, ClinGen allele CA1474583854.